The following is an entry in ClinVar:

NM_000069.3(CACNA1S):c.5309G>A (p.Arg1770Lys)

Gene: CACNA1S (calcium voltage-gated channel subunit alpha1 S; minus strand). Cytogenetic location: 1q32.1.
Variant type: single nucleotide variant.
Coding change: c.5309G>A on transcript NM_000069.3 (MANE Select); coding-DNA position 5309, G replaced by A.
Protein change: p.Arg1770Lys; replaces arginine 1770 with lysine.
Molecular consequence: missense variant.
Genome position (GRCh38, 1-based): chr1:201,040,292, C>T on the plus strand (G>A on the coding strand, the complement: CACNA1S is on the minus strand). VCF-style: chr1-201040292-C-T. GRCh37 (hg19) VCF-style: chr1-201009420-C-T.
Other names: short protein forms R1770K.
Identifiers: ClinVar variation 579733 (VCV000579733.10), dbSNP rs1558048332, ClinGen allele CA344130777.

ClinVar aggregate classification (germline): Uncertain significance (1 of 4 stars; one submission).

Conditions:
Hypokalemic periodic paralysis, type 1. Also called: Hypokalemic Periodic Paralysis Type 1 (AD); HypoPP. Identifiers: Orphanet 681, MedGen C3714580, MONDO:0042979, OMIM 170400.
Malignant hyperthermia, susceptibility to, 5 (MHS5). Also called: CACNA1S-Related Malignant Hyperthermia Susceptibility. Identifiers: Orphanet 423, MedGen C1866077, MONDO:0011163, OMIM 601887.

Submission:

Labcorp Genetics (formerly Invitae), Labcorp
Classification: Uncertain significance for Hypokalemic periodic paralysis, type 1; Malignant hyperthermia, susceptibility to, 5. Last evaluated: 2018-12-04. Review status: criteria provided, single submitter. Criteria: Invitae Variant Classification Sherloc (09022015). Collection method: clinical testing. Allele origin: germline.
Comment: In summary, the available evidence is currently insufficient to determine the role of this variant in disease. Therefore, it has been classified as a Variant of Uncertain Significance. Algorithms developed to predict the effect of missense changes on protein structure and function (SIFT, PolyPhen-2, Align-GVGD) all suggest that this variant is likely to be tolerated, but these predictions have not been confirmed by published functional studies and their clinical significance is uncertain. This variant has not been reported in the literature in individuals with CACNA1S-related conditions. ClinVar contains an entry for this variant (Variation ID: 579733). This variant is not present in population databases (ExAC no frequency). This sequence change replaces arginine with lysine at codon 1770 of the CACNA1S protein (p.Arg1770Lys). The arginine residue is weakly conserved and there is a small physicochemical difference between arginine and lysine.